The following is an entry in ClinVar:

ClinVar aggregate classification (germline): Uncertain significance (1 of 4 stars; one submission).

Submission:

Labcorp Genetics (formerly Invitae), Labcorp
Classification: Uncertain significance. Last evaluated: 2023-11-04. Review status: criteria provided, single submitter. Criteria: Invitae Variant Classification Sherloc (09022015). Collection method: clinical testing. Allele origin: germline.
Comment: This sequence change replaces proline, which is neutral and non-polar, with glutamine, which is neutral and polar, at codon 1744 of the SCN3A protein (p.Pro1744Gln). This variant is not present in population databases (gnomAD no frequency). This variant has not been reported in the literature in individuals affected with SCN3A-related conditions. Advanced modeling of protein sequence and biophysical properties (such as structural, functional, and spatial information, amino acid conservation, physicochemical variation, residue mobility, and thermodynamic stability) has been performed at Invitae for this missense variant, however the output from this modeling did not meet the statistical confidence thresholds required to predict the impact of this variant on SCN3A protein function. In summary, the available evidence is currently insufficient to determine the role of this variant in disease. Therefore, it has been classified as a Variant of Uncertain Significance.

NM_006922.4(SCN3A):c.5231C>A (p.Pro1744Gln)

Gene: SCN3A (sodium voltage-gated channel alpha subunit 3; minus strand). Cytogenetic location: 2q24.3.
Variant type: single nucleotide variant.
Coding change: c.5231C>A on transcript NM_006922.4 (MANE Select); coding-DNA position 5231, C replaced by A.
Protein change: p.Pro1744Gln; replaces proline 1744 with glutamine.
Molecular consequence: missense variant.
Genome position (GRCh38, 1-based): chr2:165,090,922, G>T on the plus strand (C>A on the coding strand, the complement: SCN3A is on the minus strand). VCF-style: chr2-165090922-G-T. GRCh37 (hg19) VCF-style: chr2-165947432-G-T.
Other names: c.5084C>A, p.Pro1695Gln (NM_001081676.2, NM_001081677.2); short protein forms P1695Q, P1744Q.
Identifiers: ClinVar variation 2712764 (VCV002712764.3), dbSNP rs2468040082, ClinGen allele CA349016661.